The following is an entry in ClinVar:

ClinVar aggregate classification (germline): Uncertain significance (1 of 4 stars; one submission).

Submission:

GeneDx
Classification: Uncertain significance. Last evaluated: 2023-05-05. Review status: criteria provided, single submitter. Criteria: GeneDx Variant Classification Process June 2021. Collection method: clinical testing. Allele origin: germline. Affected: yes.
Comment: Not observed at significant frequency in large population cohorts (gnomAD); In silico analysis supports that this missense variant does not alter protein structure/function; Has not been previously published as pathogenic or benign to our knowledge

NM_001162501.2(TNRC6B):c.109A>G (p.Thr37Ala)

Gene: TNRC6B (trinucleotide repeat containing adaptor 6B; plus strand). Cytogenetic location: 22q13.1.
Variant type: single nucleotide variant.
Coding change: c.109A>G on transcript NM_001162501.2 (MANE Select); coding-DNA position 109, A replaced by G.
Protein change: p.Thr37Ala; replaces threonine 37 with alanine.
Molecular consequence: missense variant.
Genome position (GRCh38, 1-based): chr22:40,251,194, A>G. VCF-style: chr22-40251194-A-G. GRCh37 (hg19) VCF-style: chr22-40647198-A-G.
Other names: c.217A>G, p.Thr73Ala (NM_001024843.2); c.109A>G, p.Thr37Ala (NM_015088.3); short protein forms T37A, T73A.
Identifiers: ClinVar variation 3343288 (VCV003343288.1).
Genomic context (GRCh38, chr22:40,251,194, plus strand): 5'-AATTAAAAAGCAAATCTCATTTACTTTTATCTGTTTATTTTGCAGGTCACGGAACAAAAA[A>G]CCAAAGGTAAGATCTTTTTTTTCTTTTTAAATTATTTAGAACCTTTTGTGTTTAGCTTTT-3'
Protein context (NP_001155973.1, residues 27-47): EATQKVTEQK[Thr37Ala]KVPEVTKPSL